The following is an entry in ClinVar:

NM_000257.4(MYH7):c.728G>C (p.Arg243Pro)

Gene: MYH7 (myosin heavy chain 7; minus strand). Cytogenetic location: 14q11.2.
Variant type: single nucleotide variant.
Coding change: c.728G>C on transcript NM_000257.4 (MANE Select); coding-DNA position 728, G replaced by C.
Protein change: p.Arg243Pro; replaces arginine 243 with proline.
Molecular consequence: missense variant.
Genome position (GRCh38, 1-based): chr14:23,431,589, C>G on the plus strand (G>C on the coding strand, the complement: MYH7 is on the minus strand). VCF-style: chr14-23431589-C-G. GRCh37 (hg19) VCF-style: chr14-23900798-C-G.
Other names: c.728G>C, p.Arg243Pro (NM_001407004.1); short protein forms R243P.
Identifiers: ClinVar variation 3338334 (VCV003338334.1).

ClinVar aggregate classification (germline): Pathogenic (1 of 4 stars; one submission).

Conditions:
Hypertrophic cardiomyopathy. Also called: HYPERTROPHIC MYOCARDIOPATHY. Identifiers: Orphanet 217569, MedGen C0007194, MeSH D002312, MONDO:0005045, HP:0001639.

Submission:

Lildballe Lab, Aarhus University Hospital
Classification: Pathogenic for Hypertrophic cardiomyopathy. Last evaluated: 2024-03-01. Review status: criteria provided, single submitter. Criteria: ACMG Guidelines, 2015. Collection method: research. Allele origin: germline. Affected: yes.
Comment: PM1(m), PM2(sup), PP3(sup)

Literature cited by the submitters: PubMed 25741901; PubMed 39481677.